The following is an entry in ClinVar:

ClinVar aggregate classification (germline): Benign (1 of 4 stars; one submission).

Allele frequency attached by ClinVar (database versions not stated): gnomAD 0.79419; 1000 Genomes Project 30x 0.79638; 1000 Genomes Project 0.79692; ExAC 0.79754; ESP Exome Variant Server 0.80346; gnomAD exomes 0.80575; TOPMed 0.81063.
gnomAD v4.1: 1,294,697 of 1,609,068 alleles (80%); highest among the groups gnomAD compares: Admixed American, 84%; 522,104 homozygotes.

Submission:

Unidad de Genómica Garrahan, Hospital de Pediatría Garrahan
Classification: Benign. Last evaluated: 2024-01-24. Review status: criteria provided, single submitter. Criteria: ACMG Guidelines, 2015. Collection method: clinical testing. Allele origin: germline. Affected: no. Observed: 87 variant alleles.
Comment: This variant is classified as Benign based on local population frequency. This variant was detected in 99% of patients studied by a panel of primary immunodeficiencies. Number of patients: 87. Only high quality variants are reported.

NM_000565.4(IL6R):c.*40T>C

Gene: IL6R (interleukin 6 receptor; plus strand). Cytogenetic location: 1q21.3.
Variant type: single nucleotide variant.
Coding change: c.*40T>C on transcript NM_000565.4 (MANE Select); 40 bases downstream of the stop codon, T replaced by C.
Molecular consequence: 3 prime UTR variant.
Genome position (GRCh38, 1-based): chr1:154,465,420, T>C. VCF-style: chr1-154465420-T-C. GRCh37 (hg19) VCF-style: chr1-154437896-T-C.
Other names: c.*40T>C (NM_001382769.1, NM_001382770.1, NM_001382771.1 and 2 more transcripts); c.*255T>C (NM_001382773.1, NM_181359.3).
Identifiers: ClinVar variation 2688366 (VCV002688366.2), dbSNP rs2229238, ClinGen allele CA1129374.
Genomic context (GRCh38, chr1:154,465,420, plus strand): 5'-GACTACTTCTTCCCCAGATAGCTGGCTGGGTGGCACCAGCAGCCTGGACCCTGTGGATGA[T>C]AAAACACAAACGGGCTCAGCAAAAGATGCTTCTCACTGCCATGCCAGCTTATCTCAGGGG-3'